The following is an entry in ClinVar:

ClinVar aggregate classification (germline): Pathogenic/Likely pathogenic. Review status: criteria provided, multiple submitters, no conflicts (2 of 4 stars). 7 submissions from 7 submitters: Pathogenic (5); Likely pathogenic (1). 1 of the submissions does not count toward it. Last evaluated 2024-08-09.

Conditions:
Inborn genetic diseases. Identifiers: MedGen C0950123, MeSH D030342.
Wiedemann-Steiner syndrome (WDSTS). Also called: Growth deficiency and mental retardation with facial dysmorphism. Identifiers: Orphanet 319182, MedGen C1854630, MONDO:0011518, OMIM 605130.
intellectual deficiency. Identifiers: MedGen CN228659.

Submissions (7):

GeneDx
Classification: Pathogenic. Last evaluated: 2024-08-09. Review status: criteria provided, single submitter. Criteria: GeneDx Variant Classification Process June 2021. Collection method: clinical testing. Allele origin: germline. Affected: yes.
Comment: Nonsense variant predicted to result in protein truncation or nonsense mediated decay in a gene for which loss of function is a known mechanism of disease; Not observed at significant frequency in large population cohorts (gnomAD); This variant is associated with the following publications: (PMID: 35904121, 35163737, 33057194, 35982159, 31044088, 29574747)

Labcorp Genetics (formerly Invitae), Labcorp
Classification: Pathogenic. Last evaluated: 2024-03-26. Review status: criteria provided, single submitter. Criteria: Invitae Variant Classification Sherloc (09022015). Collection method: clinical testing. Allele origin: germline.
Comment: This sequence change creates a premature translational stop signal (p.Arg1101*) in the KMT2A gene. It is expected to result in an absent or disrupted protein product. Loss-of-function variants in KMT2A are known to be pathogenic (PMID: 22795537, 25810209, 29574747). This variant is not present in population databases (gnomAD no frequency). This premature translational stop signal has been observed in individual(s) with Wiedemann-Steiner syndrome (PMID: 29574747, 35904121). ClinVar contains an entry for this variant (Variation ID: 280699). Algorithms developed to predict the effect of sequence changes on RNA splicing suggest that this variant may disrupt the consensus splice site. For these reasons, this variant has been classified as Pathogenic.

Revvity Omics, Revvity
Classification: Pathogenic for Wiedemann-Steiner syndrome. Last evaluated: 2022-08-16. Review status: criteria provided, single submitter. Criteria: ACMG Guidelines, 2015. Collection method: clinical testing. Allele origin: germline.

Institute of Human Genetics Munich, TUM University Hospital
Classification: Pathogenic for Wiedemann-Steiner syndrome. Last evaluated: 2020-02-28. Review status: criteria provided, single submitter. Criteria: Classification criteria August 2017. Collection method: clinical testing. Allele origin: de novo. Inheritance: Autosomal dominant inheritance. Affected: yes. Observed: 1 heterozygote.

Ambry Genetics
Classification: Pathogenic for Inborn genetic diseases. Last evaluated: 2018-10-17. Review status: criteria provided, single submitter. Criteria: Ambry exome assertion method (8-5-2015). Collection method: clinical testing. Allele origin: germline. Affected: yes. Observed: 1 variant allele.

Knight Diagnostic Laboratories, Oregon Health and Sciences University
Classification: Likely pathogenic for Wiedemann-Steiner syndrome. Last evaluated: 2018-08-10. Review status: criteria provided, single submitter. Criteria: ACMG Guidelines, 2015. Collection method: clinical testing. Allele origin: germline. Observed: 1 variant allele.

Laboratory of Molecular Genetics, CHU Rennes
Classification: Likely pathogenic for Intellectual deficiency. Review status: no assertion criteria provided. Collection method: clinical testing. Allele origin: de novo. Affected: yes. Not counted in ClinVar's aggregate classification.

Literature cited by the submitters: PubMed 22795537 (cited by Labcorp Genetics (formerly Invitae), Labcorp); PubMed 25810209 (cited by Labcorp Genetics (formerly Invitae), Labcorp); PubMed 29574747 (cited by Labcorp Genetics (formerly Invitae), Labcorp and Ambry Genetics); PubMed 35904121 (cited by Labcorp Genetics (formerly Invitae), Labcorp).

NM_001197104.2(KMT2A):c.3301C>T (p.Arg1101Ter)

Gene: KMT2A (lysine methyltransferase 2A; plus strand). Cytogenetic location: 11q23.3.
Variant type: single nucleotide variant.
Coding change: c.3301C>T on transcript NM_001197104.2 (MANE Select); coding-DNA position 3301, C replaced by T.
Protein change: p.Arg1101Ter; replaces arginine 1101 with a stop codon.
Molecular consequence: nonsense.
Genome position (GRCh38, 1-based): chr11:118,476,949, C>T. VCF-style: chr11-118476949-C-T. GRCh37 (hg19) VCF-style: chr11-118347664-C-T.
Other names: c.3301C>T, p.Arg1101Ter (NM_005933.4); short protein forms R1101*.
Identifiers: ClinVar variation 280699 (VCV000280699.15), dbSNP rs886041856, ClinGen allele CA10603235.